The following is an entry in ClinVar:

ClinVar aggregate classification (germline): Uncertain significance (1 of 4 stars; one submission).

Conditions:
Costello syndrome (CSTLO). Also called: FACIOCUTANEOSKELETAL SYNDROME; FCS SYNDROME; HRAS-Related Costello Syndrome. Identifiers: Orphanet 3071, MedGen C0587248, MONDO:0009026, OMIM 218040.

Submission:

Labcorp Genetics (formerly Invitae), Labcorp
Classification: Uncertain significance for Costello syndrome. Last evaluated: 2023-03-30. Review status: criteria provided, single submitter. Criteria: Invitae Variant Classification Sherloc (09022015). Collection method: clinical testing. Allele origin: germline.
Comment: In summary, the available evidence is currently insufficient to determine the role of this variant in disease. Therefore, it has been classified as a Variant of Uncertain Significance. This sequence change replaces alanine, which is neutral and non-polar, with valine, which is neutral and non-polar, at codon 66 of the HRAS protein (p.Ala66Val). This variant is not present in population databases (gnomAD no frequency). This variant has not been reported in the literature in individuals affected with HRAS-related conditions. An algorithm developed to predict the effect of missense changes on protein structure and function (PolyPhen-2) suggests that this variant is likely to be tolerated.

NM_005343.4(HRAS):c.197C>T (p.Ala66Val)

Genes: HRAS (HRas proto-oncogene, GTPase; minus strand), LRRC56 (leucine rich repeat containing 56; plus strand). Cytogenetic location: 11p15.5.
Variant type: single nucleotide variant.
Coding change: c.197C>T on transcript NM_005343.4 (MANE Select); coding-DNA position 197, C replaced by T.
Protein change: p.Ala66Val; replaces alanine 66 with valine.
Molecular consequence: missense variant. On other transcripts: 5 prime UTR variant (1).
Genome position (GRCh38, 1-based): chr11:533,859, G>A on the plus strand (C>T on the coding strand, the complement: HRAS is on the minus strand). VCF-style: chr11-533859-G-A. GRCh37 (hg19) VCF-style: chr11-533859-G-A.
Other names: c.197C>T, p.Ala66Val (NM_001130442.3, NM_176795.5); c.-123C>T (NM_001318054.2); short protein forms A66V.
Identifiers: ClinVar variation 2850846 (VCV002850846.3), dbSNP rs2133990820, ClinGen allele CA378924641.